The following is an entry in ClinVar:

ClinVar aggregate classification (germline): Likely benign (1 of 4 stars; one submission).

Conditions:
TRPC5-related disorder. Also called: TRPC5-related condition.

gnomAD v4.1: 5 of 1,188,576 alleles (0.00042%); highest among the groups gnomAD compares: Non-Finnish European, 0.00056%; no homozygotes.

Submission:

PreventionGenetics, part of Exact Sciences
Classification: Likely benign for TRPC5-related condition. Last evaluated: 2025-03-26. Review status: criteria provided, single submitter. Criteria: ACMG Guidelines, 2015. Collection method: clinical testing. Allele origin: germline.
Comment: This variant is classified as likely benign based on ACMG/AMP sequence variant interpretation guidelines (Richards et al. 2015 PMID: 25741868, with internal and published modifications).

NM_012471.3(TRPC5):c.2892A>G (p.Gly964=)

Gene: TRPC5 (transient receptor potential cation channel subfamily C member 5; minus strand). Cytogenetic location: Xq23.
Variant type: single nucleotide variant.
Coding change: c.2892A>G on transcript NM_012471.3 (MANE Select); coding-DNA position 2892, A replaced by G.
Protein change: p.Gly964=; no amino-acid change (glycine 964 retained).
Molecular consequence: synonymous variant.
Genome position (GRCh38, 1-based): chrX:111,776,343, T>C on the plus strand (A>G on the coding strand, the complement: TRPC5 is on the minus strand). VCF-style: chrX-111776343-T-C. GRCh37 (hg19) VCF-style: chrX-111019571-T-C.
Identifiers: ClinVar variation 4999404 (VCV004999404.1).
Genomic context (GRCh38, chrX:111,776,343, plus strand): 5'-GAGTTCCAGAACAGATGATTAGGGCTTGACTTAGAGGCGAGTTGTAACTTGTTCTTCCTG[T>C]CCATCACCCCATTTGTGCATGAGCAAGTCACAAGCCTCTCCCCAAGTTTCAAATACATCC-3'
Protein context (NP_036603.1, residues 954-973): CDLLMHKWGD[Gly964=]QEEQVTTRL